The following is an entry in ClinVar:

NM_024589.3(ROGDI):c.413C>T (p.Thr138Met)

Gene: ROGDI (rogdi atypical leucine zipper; minus strand). Cytogenetic location: 16p13.3.
Variant type: single nucleotide variant.
Coding change: c.413C>T on transcript NM_024589.3 (MANE Select); coding-DNA position 413, C replaced by T.
Protein change: p.Thr138Met; replaces threonine 138 with methionine.
Molecular consequence: missense variant. On other transcripts: non-coding transcript variant (1).
Genome position (GRCh38, 1-based): chr16:4,799,705, G>A on the plus strand (C>T on the coding strand, the complement: ROGDI is on the minus strand). VCF-style: chr16-4799705-G-A. GRCh37 (hg19) VCF-style: chr16-4849706-G-A.
Other names: short protein forms T138M.
Identifiers: ClinVar variation 2080941 (VCV002080941.1), dbSNP rs540638420, ClinGen allele CA7882747.

ClinVar aggregate classification (germline): Uncertain significance (1 of 4 stars; one submission).

Conditions:
Amelocerebrohypohidrotic syndrome (KTZS). Also called: KOHLSCHUTTER SYNDROME; EPILEPSY AND YELLOW TEETH; EPILEPSY, DEMENTIA, AND AMELOGENESIS IMPERFECTA; Kohlschutter's syndrome. Identifiers: Orphanet 1946, MedGen C0406740, MONDO:0009185, OMIM 226750.

Allele frequency attached by ClinVar (database versions not stated): TOPMed 0.00001; gnomAD 0.00002; ExAC 0.00003; 1000 Genomes Project 30x 0.00031; 1000 Genomes Project 0.00040.
gnomAD v4.1: 11 of 1,613,418 alleles (0.00068%); highest among the groups gnomAD compares: South Asian, 0.0022%; no homozygotes.

Submission:

Labcorp Genetics (formerly Invitae), Labcorp
Classification: Uncertain significance for Amelocerebrohypohidrotic syndrome. Last evaluated: 2022-06-16. Review status: criteria provided, single submitter. Criteria: Invitae Variant Classification Sherloc (09022015). Collection method: clinical testing. Allele origin: germline.
Comment: This sequence change replaces threonine, which is neutral and polar, with methionine, which is neutral and non-polar, at codon 138 of the ROGDI protein (p.Thr138Met). This variant is present in population databases (rs540638420, gnomAD 0.007%). This variant has not been reported in the literature in individuals affected with ROGDI-related conditions. Algorithms developed to predict the effect of missense changes on protein structure and function (SIFT, PolyPhen-2, Align-GVGD) all suggest that this variant is likely to be disruptive. In summary, the available evidence is currently insufficient to determine the role of this variant in disease. Therefore, it has been classified as a Variant of Uncertain Significance.